The following is an entry in ClinVar:

NM_139276.3(STAT3):c.1754T>C (p.Ile585Thr)

Gene: STAT3 (signal transducer and activator of transcription 3; minus strand). Cytogenetic location: 17q21.2.
Variant type: single nucleotide variant.
Coding change: c.1754T>C on transcript NM_139276.3 (MANE Select); coding-DNA position 1754, T replaced by C.
Protein change: p.Ile585Thr; replaces isoleucine 585 with threonine.
Molecular consequence: missense variant.
Genome position (GRCh38, 1-based): chr17:42,323,138, A>G on the plus strand (T>C on the coding strand, the complement: STAT3 is on the minus strand). VCF-style: chr17-42323138-A-G. GRCh37 (hg19) VCF-style: chr17-40475156-A-G.
Other names: c.1754T>C, p.Ile585Thr (NM_001369512.1, NM_001369513.1, NM_001369514.1 and 9 more transcripts); c.1670T>C, p.Ile557Thr (NM_001384984.1); c.1676T>C, p.Ile559Thr (NM_001384985.1); c.1769T>C, p.Ile590Thr (NM_001384986.1, NM_001384990.1); c.1733T>C, p.Ile578Thr (NM_001384987.1); c.1658T>C, p.Ile553Thr (NM_001384989.1); c.1727T>C, p.Ile576Thr (NM_001384991.1); c.1694T>C, p.Ile565Thr (NM_001384992.1); short protein forms I576T, I557T, I565T, I590T, I553T, I559T, I578T, I585T.
Identifiers: ClinVar variation 2049021 (VCV002049021.4), dbSNP rs756779964, ClinGen allele CA8575217.
Genomic context (GRCh38, chr17:42,323,138, plus strand): 5'-GTGCCTGGAGGCTTAGTGCTCAAGATGGCCCGCTCCCGCTCCTTACTGATAAAGCCCATG[A>G]TGTACCTGGAGCCAAGGAGGAGGAACAATGTTGTTATTGCTAACAGGGCATCCATCCCCT-3'
Protein context (NP_644805.1, residues 575-595): YILALWNEGY[Ile585Thr]MGFISKERER

ClinVar aggregate classification (germline): Uncertain significance (1 of 4 stars; one submission).

Conditions:
Hyper-IgE recurrent infection syndrome 1, autosomal dominant. Also called: JOB SYNDROME; HYPER-IgE SYNDROME 1, AUTOSOMAL DOMINANT, WITH RECURRENT INFECTIONS; Job's Syndrome; STAT3 Hyper IgE Syndrome; Hyper-IgE recurrent infection syndrome 1. Identifiers: Orphanet 2314, MedGen C2936739, MONDO:0007818, OMIM 147060.
STAT3 gain of function. Identifiers: MedGen C4288261.

Allele frequency attached by ClinVar (database versions not stated): gnomAD 0.00001; TOPMed 0.00001; ExAC 0.00002; gnomAD exomes 0.00002.
gnomAD v4.1: 27 of 1,614,068 alleles (0.0017%); highest among the groups gnomAD compares: Middle Eastern, 0.033%; no homozygotes.

Submission:

Labcorp Genetics (formerly Invitae), Labcorp
Classification: Uncertain significance for STAT3 gain of function; Hyper-IgE recurrent infection syndrome 1, autosomal dominant. Last evaluated: 2025-09-03. Review status: criteria provided, single submitter. Criteria: Invitae Variant Classification Sherloc (09022015). Collection method: clinical testing. Allele origin: germline.
Comment: This sequence change replaces isoleucine, which is neutral and non-polar, with threonine, which is neutral and polar, at codon 585 of the STAT3 protein (p.Ile585Thr). This variant is present in population databases (rs756779964, gnomAD 0.002%). This variant has not been reported in the literature in individuals affected with STAT3-related conditions. ClinVar contains an entry for this variant (Variation ID: 2049021). Invitae Evidence Modeling of protein sequence and biophysical properties (such as structural, functional, and spatial information, amino acid conservation, physicochemical variation, residue mobility, and thermodynamic stability) indicates that this missense variant is expected to disrupt STAT3 protein function with a positive predictive value of 80%. In summary, the available evidence is currently insufficient to determine the role of this variant in disease. Therefore, it has been classified as a Variant of Uncertain Significance.